The following is an entry in ClinVar:

NM_198578.4(LRRK2):c.7318T>C (p.Ser2440Pro)

Gene: LRRK2 (leucine rich repeat kinase 2; plus strand). Cytogenetic location: 12q12.
Variant type: single nucleotide variant.
Coding change: c.7318T>C on transcript NM_198578.4 (MANE Select); coding-DNA position 7318, T replaced by C.
Protein change: p.Ser2440Pro; replaces serine 2440 with proline.
Molecular consequence: missense variant.
Genome position (GRCh38, 1-based): chr12:40,364,978, T>C. VCF-style: chr12-40364978-T-C. GRCh37 (hg19) VCF-style: chr12-40758780-T-C.
Other names: short protein forms S2440P.
Identifiers: ClinVar variation 2567385 (VCV002567385.2), dbSNP rs2500038307, ClinGen allele CA384415150.

ClinVar aggregate classification (germline): Uncertain significance (1 of 4 stars; one submission).

Conditions:
Inborn genetic diseases. Identifiers: MedGen C0950123, MeSH D030342.

Submission:

Ambry Genetics
Classification: Uncertain significance for Inborn genetic diseases. Last evaluated: 2023-05-04. Review status: criteria provided, single submitter. Criteria: Ambry Variant Classification Scheme 2023. Collection method: clinical testing. Allele origin: germline.
Comment: The p.S2440P variant (also known as c.7318T>C), located in coding exon 49 of the LRRK2 gene, results from a T to C substitution at nucleotide position 7318. The serine at codon 2440 is replaced by proline, an amino acid with similar properties. This amino acid position is conserved. In addition, the in silico prediction for this alteration is inconclusive. Since supporting evidence is limited at this time, the clinical significance of this alteration remains unclear.